The following is an entry in ClinVar:

ClinVar aggregate classification (germline): Uncertain significance (1 of 4 stars; one submission).

Conditions:
Syndromic multisystem autoimmune disease due to ITCH deficiency. Also called: AUTOIMMUNE DISEASE, MULTISYSTEM, WITH FACIAL DYSMORPHISM. Identifiers: Orphanet 228426, MedGen C3150649, MONDO:0013245, OMIM 613385.

Submission:

Labcorp Genetics (formerly Invitae), Labcorp
Classification: Uncertain significance for Syndromic multisystem autoimmune disease due to ITCH deficiency. Last evaluated: 2022-11-15. Review status: criteria provided, single submitter. Criteria: Invitae Variant Classification Sherloc (09022015). Collection method: clinical testing. Allele origin: germline.
Comment: This sequence change replaces valine, which is neutral and non-polar, with leucine, which is neutral and non-polar, at codon 43 of the ITCH protein (p.Val43Leu). This variant is not present in population databases (gnomAD no frequency). This variant has not been reported in the literature in individuals affected with ITCH-related conditions. Algorithms developed to predict the effect of missense changes on protein structure and function are either unavailable or do not agree on the potential impact of this missense change (SIFT: "Not Available"; PolyPhen-2: "Probably Damaging"; Align-GVGD: "Not Available"). In summary, the available evidence is currently insufficient to determine the role of this variant in disease. Therefore, it has been classified as a Variant of Uncertain Significance.

NM_031483.7(ITCH):c.127G>T (p.Val43Leu)

Gene: ITCH (itchy E3 ubiquitin protein ligase; plus strand). Cytogenetic location: 20q11.22.
Variant type: single nucleotide variant.
Coding change: c.127G>T on transcript NM_031483.7 (MANE Select); coding-DNA position 127, G replaced by T.
Protein change: p.Val43Leu; replaces valine 43 with leucine.
Molecular consequence: missense variant. On other transcripts: intron variant (1).
Genome position (GRCh38, 1-based): chr20:34,408,707, G>T. VCF-style: chr20-34408707-G-T. GRCh37 (hg19) VCF-style: chr20-32996513-G-T.
Other names: c.-118-3808G>T (NM_001257138.3); c.127G>T, p.Val43Leu (NM_001257137.3, NM_001324197.2, NM_001324198.2); short protein forms V43L.
Identifiers: ClinVar variation 2102736 (VCV002102736.4), dbSNP rs781351779, ClinGen allele CA408661282.